The following is an entry in ClinVar:

ClinVar aggregate classification (germline): Conflicting classifications of pathogenicity. Review status: criteria provided, conflicting classifications (1 of 4 stars). 2 submissions from 2 submitters: Uncertain significance (1); Benign (1). Last evaluated 2025-04-03.

Conditions:
KMT2D-related disorder. Also called: KMT2D-Related Disorders.
Kabuki syndrome. Also called: Kabuki make-up syndrome; NIIKAWA-KUROKI SYNDROME. Identifiers: Orphanet 2322, MedGen C0796004, MONDO:0016512.

Allele frequency attached by ClinVar (database versions not stated): TOPMed below 0.00001 and 0.00001; gnomAD 0.00003 and 0.00002.
gnomAD v4.1: 22 of 1,603,186 alleles (0.0014%); highest among the groups gnomAD compares: Non-Finnish European, 0.0019%; no homozygotes.

Submissions (2):

Labcorp Genetics (formerly Invitae), Labcorp
Classification: Benign for Kabuki syndrome. Last evaluated: 2025-04-03. Review status: criteria provided, single submitter. Criteria: Invitae Variant Classification Sherloc (09022015). Collection method: clinical testing. Allele origin: germline.

PreventionGenetics, part of Exact Sciences
Classification: Uncertain significance for KMT2D-related condition. Last evaluated: 2023-07-14. Review status: criteria provided, single submitter. Criteria: ACMG Guidelines, 2015. Collection method: clinical testing. Allele origin: germline.
Comment: The KMT2D c.13071G>C variant is predicted to result in the amino acid substitution p.Arg4357Ser. To our knowledge, this variant has not been reported in the literature. This variant is reported in 0.0043% of alleles in individuals of European (Non-Finnish) descent in gnomAD. At this time, the clinical significance of this variant is uncertain due to the absence of conclusive functional and genetic evidence.

NM_003482.4(KMT2D):c.13071G>C (p.Arg4357Ser)

Gene: KMT2D (lysine methyltransferase 2D; minus strand). Cytogenetic location: 12q13.12.
Variant type: single nucleotide variant.
Coding change: c.13071G>C on transcript NM_003482.4 (MANE Select); coding-DNA position 13071, G replaced by C.
Protein change: p.Arg4357Ser; replaces arginine 4357 with serine.
Molecular consequence: missense variant.
Genome position (GRCh38, 1-based): chr12:49,031,634, C>G on the plus strand (G>C on the coding strand, the complement: KMT2D is on the minus strand). VCF-style: chr12-49031634-C-G. GRCh37 (hg19) VCF-style: chr12-49425417-C-G.
Other names: short protein forms R4357S.
Identifiers: ClinVar variation 2636802 (VCV002636802.4), dbSNP rs533214351, ClinGen allele CA6546078.